The following is an entry in ClinVar:

ClinVar aggregate classification (germline): Likely benign (1 of 4 stars; one submission).

gnomAD v4.1: 18 of 1,613,770 alleles (0.0011%); highest among the groups gnomAD compares: African/African-American, 0.0013%; no homozygotes.

Submission:

CeGaT Center for Human Genetics Tuebingen
Classification: Likely benign. Last evaluated: 2024-09-01. Review status: criteria provided, single submitter. Criteria: CeGaT Center For Human Genetics Tuebingen Variant Classification Criteria Version 2. Collection method: clinical testing. Allele origin: germline. Affected: yes. Observed: 1 variant allele.
Comment: PMS1: BP4, BP7

NM_000534.5(PMS1):c.18G>A (p.Ala6=)

Gene: PMS1 (PMS1 homolog 1, mismatch repair system component; plus strand). Cytogenetic location: 2q32.2.
Variant type: single nucleotide variant.
Coding change: c.18G>A on transcript NM_000534.5 (MANE Select); coding-DNA position 18, G replaced by A.
Protein change: p.Ala6=; no amino-acid change (alanine 6 retained).
Molecular consequence: synonymous variant. On other transcripts: non-coding transcript variant (1), 5 prime UTR variant (2).
Genome position (GRCh38, 1-based): chr2:189,791,827, G>A. VCF-style: chr2-189791827-G-A. GRCh37 (hg19) VCF-style: chr2-190656553-G-A.
Other names: c.18G>A, p.Ala6= (NM_001321045.2, NM_001321046.2, NM_001321047.2 and 6 more transcripts); c.-408G>A (NM_001289408.2); c.-225G>A (NM_001289409.2).
Identifiers: ClinVar variation 3388843 (VCV003388843.14).